The following is an entry in ClinVar:

NM_001687.5(ATP5F1D):c.186_187delinsAA (p.Leu63Met)

Gene: ATP5F1D (ATP synthase F1 subunit delta; plus strand). Cytogenetic location: 19p13.3.
Variant type: Indel.
Coding change: c.186_187delinsAA on transcript NM_001687.5 (MANE Select); coding-DNA positions 186 to 187, GC replaced by AA.
Protein change: p.Leu63Met; replaces leucine 63 with methionine.
Molecular consequence: missense variant.
Genome position (GRCh38, 1-based): chr19:1,242,500-1,242,501, GC replaced by AA. VCF-style: chr19-1242500-GC-AA. GRCh37 (hg19) VCF-style: chr19-1242499-GC-AA.
Other names: c.186_187delinsAA, p.Leu63Met (NM_001001975.2); short protein forms L63M.
Identifiers: ClinVar variation 2993269 (VCV002993269.3), dbSNP rs2512988591, ClinGen allele CA2740091828.

ClinVar aggregate classification (germline): Uncertain significance (1 of 4 stars; one submission).

Submission:

Labcorp Genetics (formerly Invitae), Labcorp
Classification: Uncertain significance. Last evaluated: 2023-12-28. Review status: criteria provided, single submitter. Criteria: Invitae Variant Classification Sherloc (09022015). Collection method: clinical testing. Allele origin: germline.
Comment: This sequence change replaces leucine, which is neutral and non-polar, with methionine, which is neutral and non-polar, at codon 63 of the ATP5D protein (p.Leu63Met). Information on the frequency of this variant in the gnomAD database is not available, as this variant may be reported differently in the database. This variant has not been reported in the literature in individuals affected with ATP5D-related conditions. Experimental studies and prediction algorithms are not available or were not evaluated, and the functional significance of this variant is currently unknown. In summary, the available evidence is currently insufficient to determine the role of this variant in disease. Therefore, it has been classified as a Variant of Uncertain Significance.